The following is an entry in ClinVar:

ClinVar aggregate classification (germline): Uncertain significance. Review status: criteria provided, multiple submitters, no conflicts (2 of 4 stars). 2 submissions from 2 submitters: Uncertain significance (2). Last evaluated 2025-09-22.

Conditions:
Inborn genetic diseases. Identifiers: MedGen C0950123, MeSH D030342.

gnomAD v4.1: 4 of 1,614,084 alleles (0.00025%); highest among the groups gnomAD compares: East Asian, 0.0022%; no homozygotes.

Submissions (2):

Ambry Genetics
Classification: Uncertain significance for Inborn genetic diseases. Last evaluated: 2025-09-22. Review status: criteria provided, single submitter. Criteria: Ambry Variant Classification Scheme 2023. Collection method: clinical testing. Allele origin: germline.

GeneDx
Classification: Uncertain significance. Last evaluated: 2025-08-03. Review status: criteria provided, single submitter. Criteria: GeneDx Variant Classification Process June 2021. Collection method: clinical testing. Allele origin: germline. Affected: yes.
Comment: In silico analysis supports that this missense variant has a deleterious effect on protein structure/function; Has not been previously published as pathogenic or benign to our knowledge

NM_001273.5(CHD4):c.1216G>A (p.Glu406Lys)

Gene: CHD4 (chromodomain helicase DNA binding protein 4; minus strand). Cytogenetic location: 12p13.31.
Variant type: single nucleotide variant.
Coding change: c.1216G>A on transcript NM_001273.5 (MANE Select); coding-DNA position 1216, G replaced by A.
Protein change: p.Glu406Lys; replaces glutamic acid 406 with lysine.
Molecular consequence: missense variant.
Genome position (GRCh38, 1-based): chr12:6,600,243, C>T on the plus strand (G>A on the coding strand, the complement: CHD4 is on the minus strand). VCF-style: chr12-6600243-C-T. GRCh37 (hg19) VCF-style: chr12-6709409-C-T.
Other names: c.1195G>A, p.Glu399Lys (NM_001297553.2); c.1177G>A, p.Glu393Lys (NM_001363606.2); short protein forms E406K, E393K, E399K.
Identifiers: ClinVar variation 4614588 (VCV004614588.2).